The following is an entry in ClinVar:

ClinVar aggregate classification (germline): Uncertain significance (1 of 4 stars; one submission).

Submission:

CeGaT Center for Human Genetics Tuebingen
Classification: Uncertain significance. Last evaluated: 2025-10-01. Review status: criteria provided, single submitter. Criteria: CeGaT Center For Human Genetics Tuebingen Variant Classification Criteria Version 2. Collection method: clinical testing. Allele origin: germline. Affected: yes. Observed: 1 variant allele.
Comment: KIF5A: PM2, PM5:Supporting

NM_004984.4(KIF5A):c.1085A>G (p.Lys362Arg)

Gene: KIF5A (kinesin family member 5A; plus strand). Cytogenetic location: 12q13.3.
Variant type: single nucleotide variant.
Coding change: c.1085A>G on transcript NM_004984.4 (MANE Select); coding-DNA position 1085, A replaced by G.
Protein change: p.Lys362Arg; replaces lysine 362 with arginine.
Molecular consequence: missense variant.
Genome position (GRCh38, 1-based): chr12:57,569,651, A>G. VCF-style: chr12-57569651-A-G. GRCh37 (hg19) VCF-style: chr12-57963434-A-G.
Other names: c.818A>G, p.Lys273Arg (NM_001354705.2); short protein forms K273R, K362R.
Identifiers: ClinVar variation 4534978 (VCV004534978.6).